The following is an entry in ClinVar:

NM_012268.4(PLD3):c.220C>T (p.Pro74Ser)

Gene: PLD3 (phospholipase D family member 3; plus strand). Cytogenetic location: 19q13.2.
Variant type: single nucleotide variant.
Coding change: c.220C>T on transcript NM_012268.4 (MANE Select); coding-DNA position 220, C replaced by T.
Protein change: p.Pro74Ser; replaces proline 74 with serine.
Molecular consequence: missense variant.
Genome position (GRCh38, 1-based): chr19:40,366,890, C>T. VCF-style: chr19-40366890-C-T. GRCh37 (hg19) VCF-style: chr19-40872797-C-T.
Other names: c.220C>T, p.Pro74Ser (NM_001031696.4, NM_001291311.2); short protein forms P74S.
Identifiers: ClinVar variation 2168601 (VCV002168601.4), dbSNP rs145826567, ClinGen allele CA9442618.

ClinVar aggregate classification (germline): Uncertain significance (1 of 4 stars; one submission).

Allele frequency attached by ClinVar (database versions not stated): ExAC 0.00015; TOPMed 0.00018; gnomAD 0.00021; gnomAD exomes 0.00031; ESP Exome Variant Server 0.00038.
gnomAD v4.1: 489 of 1,611,900 alleles (0.03%); highest among the groups gnomAD compares: Non-Finnish European, 0.039%; no homozygotes.

Submission:

Labcorp Genetics (formerly Invitae), Labcorp
Classification: Uncertain significance. Last evaluated: 2025-01-15. Review status: criteria provided, single submitter. Criteria: Invitae Variant Classification Sherloc (09022015). Collection method: clinical testing. Allele origin: germline.
Comment: This sequence change replaces proline, which is neutral and non-polar, with serine, which is neutral and polar, at codon 74 of the PLD3 protein (p.Pro74Ser). This variant is present in population databases (rs145826567, gnomAD 0.02%). This variant has not been reported in the literature in individuals affected with PLD3-related conditions. ClinVar contains an entry for this variant (Variation ID: 2168601). An algorithm developed to predict the effect of missense changes on protein structure and function (PolyPhen-2) suggests that this variant is likely to be tolerated. In summary, the available evidence is currently insufficient to determine the role of this variant in disease. Therefore, it has been classified as a Variant of Uncertain Significance.